The following is an entry in ClinVar:

ClinVar aggregate classification (germline): Benign/Likely benign. Review status: criteria provided, multiple submitters, no conflicts (2 of 4 stars). 17 submissions from 17 submitters: Benign (10); Likely benign (1). 6 of the submissions do not count toward it. Last evaluated 2026-02-04.

Conditions:
Fanconi anemia (FA). Also called: Fanconi's anemia. Identifiers: Orphanet 84, MedGen C0015625, MeSH D005199, MONDO:0019391.
Prostate cancer. Also called: Malignant tumor of prostate. Identifiers: Orphanet 1331, MedGen C0376358, MONDO:0008315, HP:0012125.
Fanconi anemia complementation group A (FANCA). Also called: Fanconi anemia, group A; FANCA-Related Fanconi Anemia. Identifiers: Orphanet 84, MedGen C3469521, MONDO:0009215, OMIM 227650.

Allele frequency attached by ClinVar (database versions not stated): TOPMed 0.04843; gnomAD exomes 0.05054; ExAC 0.05096; 1000 Genomes Project 30x 0.02264; 1000 Genomes Project 0.02336; gnomAD 0.05217 and 0.05303; ESP Exome Variant Server 0.05925.
gnomAD v4.1: 116,376 of 1,613,668 alleles (7.2%); highest among the groups gnomAD compares: Non-Finnish European, 8.6%; 4,838 homozygotes.

Submissions (17):

Labcorp Genetics (formerly Invitae), Labcorp
Classification: Benign for Fanconi anemia. Last evaluated: 2026-02-04. Review status: criteria provided, single submitter. Criteria: Invitae Variant Classification Sherloc (09022015). Collection method: clinical testing. Allele origin: germline.

Mayo Clinic Laboratories, Mayo Clinic
Classification: Benign. Last evaluated: 2025-09-16. Review status: criteria provided, single submitter. Criteria: ACMG Guidelines, 2015. Collection method: clinical testing. Allele origin: germline. Observed: 159 variant alleles.
Comment: BA1

ARUP Laboratories, Molecular Genetics and Genomics, ARUP Laboratories
Classification: Benign for Fanconi anemia complementation group A. Last evaluated: 2025-07-18. Review status: criteria provided, single submitter. Criteria: ARUP Molecular Germline Variant Investigation Process 2024. Collection method: clinical testing. Allele origin: germline.

GeneKor MSA
Classification: Benign for Fanconi anemia complementation group A. Last evaluated: 2025-07-10. Review status: criteria provided, single submitter. Criteria: ACMG Guidelines, 2015. Collection method: clinical testing. Allele origin: germline.

Blueprint Genetics
Classification: Likely benign. Last evaluated: 2024-11-27. Review status: criteria provided, single submitter. Criteria: ACMG Guidelines, 2015. Collection method: clinical testing. Allele origin: germline.

Women's Health and Genetics/Laboratory Corporation of America, LabCorp
Classification: Benign. Last evaluated: 2021-12-18. Review status: criteria provided, single submitter. Criteria: LabCorp Variant Classification Summary - May 2015. Collection method: clinical testing. Allele origin: germline.
Comment: Variant summary: FANCA c.3263C>T (p.Ser1088Phe) results in a non-conservative amino acid change in the encoded protein sequence. Two of three in-silico tools predict a benign effect of the variant on protein function. The variant allele was found at a frequency of 0.051 in 250776 control chromosomes in the gnomAD database, including 459 homozygotes. The observed variant frequency is approximately 23.34 fold of the estimated maximal expected allele frequency for a pathogenic variant in FANCA causing Fanconi Anemia phenotype (0.0022), strongly suggesting that the variant is benign. Seven clinical diagnostic laboratories have submitted clinical-significance assessments for this variant to ClinVar after 2014 without evidence for independent evaluation. Multiple laboratories reported the variant with conflicting assessments. Based on the evidence outlined above, the variant was classified as benign.

Sema4
Classification: Benign for Fanconi anemia. Last evaluated: 2020-02-06. Review status: criteria provided, single submitter. Criteria: Sema4 Curation Guidelines. Collection method: curation. Allele origin: germline.

GeneDx
Classification: Benign. Last evaluated: 2019-03-12. Review status: criteria provided, single submitter. Criteria: GeneDx Variant Classification Process June 2021. Collection method: clinical testing. Allele origin: germline. Affected: yes.
Comment: This variant is associated with the following publications: (PMID: 31586946, 28864460, 10094191, 27153395, 27884173, 24728327, 20981092, 22995991)

Illumina Laboratory Services, Illumina
Classification: Benign for Fanconi anemia complementation group A. Last evaluated: 2018-03-06. Review status: criteria provided, single submitter. Criteria: ICSL Variant Classification Criteria 13 December 2019. Collection method: clinical testing. Allele origin: germline.
Comment: This variant was observed in the ICSL laboratory as part of a predisposition screen in an ostensibly healthy population. It had not been previously curated by ICSL or reported in the Human Gene Mutation Database (HGMD: prior to June 1st, 2018), and was therefore a candidate for classification through an automated scoring system. Utilizing variant allele frequency, disease prevalence and penetrance estimates, and inheritance mode, an automated score was calculated to assess if this variant is too frequent to cause the disease. Based on the score and internal cut-off values, a variant classified as benign is not then subjected to further curation. The score for this variant resulted in a classification of benign for this disease.

Breakthrough Genomics
Classification: Benign. Review status: criteria provided, single submitter. Criteria: ACMG Guidelines, 2015. Collection method: not provided. Allele origin: germline. Inheritance: Autosomal recessive inheritance. Affected: yes.

PreventionGenetics, part of Exact Sciences
Classification: Benign. Review status: criteria provided, single submitter. Criteria: ACMG Guidelines, 2015. Collection method: clinical testing. Allele origin: germline.

Natera, Inc.
Classification: Benign for Fanconi anemia, group A. Last evaluated: 2019-08-23. Review status: no assertion criteria provided. Collection method: clinical testing. Allele origin: germline. Not counted in ClinVar's aggregate classification.

Caryl and Israel Englander Institute for Precision Medicine, Weill Cornell Medicine
Classification: Uncertain significance for Familial prostate cancer. Last evaluated: 2015-07-01. Review status: no assertion criteria provided. Collection method: research. Allele origin: unknown. Inheritance: Autosomal recessive inheritance. Not counted in ClinVar's aggregate classification.

ITMI
No classification provided. Condition: AllHighlyPenetrant. Last evaluated: 2013-09-19. Review status: no classification provided. Collection method: reference population. Allele origin: germline. Not counted in ClinVar's aggregate classification.
Comment: Please see associated publication for description of ethnicities

Diagnostic Laboratory, Department of Genetics, University Medical Center Groningen
Classification: Benign. Review status: no assertion criteria provided. Collection method: clinical testing. Allele origin: germline. Affected: yes. Study: VKGL Data-share Consensus. Not counted in ClinVar's aggregate classification.

Genome Diagnostics Laboratory, University Medical Center Utrecht
Classification: Benign. Review status: no assertion criteria provided. Collection method: clinical testing. Allele origin: germline. Affected: yes. Study: VKGL Data-share Consensus. Not counted in ClinVar's aggregate classification.

Leiden Open Variation Database
Classification: Pathogenic for Fanconi anemia complementation group A. Last evaluated: 2020-02-28. Review status: flagged submission. Collection method: curation. Allele origin: germline. Affected: yes. Not counted in ClinVar's aggregate classification.
Comment: Curator: Arleen D. Auerbach. Submitter to LOVD: Arleen D. Auerbach.
ClinVar note: Reason: Outlier claim with insufficient supporting evidence

Literature cited by the submitters: PubMed 28864460 (cited by Caryl and Israel Englander Institute for Precision Medicine, Weill Cornell Medicine); PubMed 26181256 (cited by Caryl and Israel Englander Institute for Precision Medicine, Weill Cornell Medicine); PubMed 24728327 (cited by ITMI); PubMed 10094191 (cited by Leiden Open Variation Database).

NM_000135.4(FANCA):c.3263C>T (p.Ser1088Phe)

Gene: FANCA (FA complementation group A; minus strand). Cytogenetic location: 16q24.3.
Variant type: single nucleotide variant.
Coding change: c.3263C>T on transcript NM_000135.4 (MANE Select); coding-DNA position 3263, C replaced by T.
Protein change: p.Ser1088Phe; replaces serine 1088 with phenylalanine.
Molecular consequence: missense variant.
Genome position (GRCh38, 1-based): chr16:89,748,744, G>A on the plus strand (C>T on the coding strand, the complement: FANCA is on the minus strand). VCF-style: chr16-89748744-G-A. GRCh37 (hg19) VCF-style: chr16-89815152-G-A.
Other names: c.3263C>T, p.Ser1088Phe (NM_001286167.3); c.3263C>T (LRG_495t1); short protein forms S1088F.
Identifiers: ClinVar variation 134264 (VCV000134264.35), dbSNP rs17233497, ClinGen allele CA159302.